The following continues an entry in ClinVar:

NM_003119.4(SPG7):c.233T>A (p.Leu78Ter)

Gene: SPG7. ClinVar aggregate classification (germline): Pathogenic/Likely pathogenic. Pathogenic (28); Likely pathogenic (3).

Submissions 12 to 34 of 34:

Women's Health and Genetics/Laboratory Corporation of America, LabCorp
Classification: Pathogenic for Hereditary spastic paraplegia 7. Last evaluated: 2024-03-01. Review status: criteria provided, single submitter. Criteria: LabCorp Variant Classification Summary - May 2015. Collection method: clinical testing. Allele origin: germline.
Comment: Variant summary: SPG7 c.233T>A (p.Leu78X) results in a premature termination codon, predicted to cause a truncation of the encoded protein or absence of the protein due to nonsense mediated decay, which are commonly known mechanisms for disease. The variant allele was found at a frequency of 0.00042 in 251260 control chromosomes in the gnomAD database, including 2 homozygotes. c.233T>A has been reported in the literature in multiple homozygous individuals affected with Hereditary Spastic Paraplegia (e.g. Arnoldi_2008). These data indicate that the variant is very likely to be associated with disease. At least one publication reports experimental evidence evaluating enzyme activity in homozygous patient fibroblasts with varied results between patients (e.g. Arnoldi_2008). The most pronounced variant effect results in 30%-50% of normal activity. The following publication has been ascertained in the context of this evaluation (PMID: 18200586). ClinVar contains an entry for this variant (Variation ID: 6816). Based on the evidence outlined above, the variant was classified as pathogenic.

Service de Génétique Médicale, Centre Hospitalier Universitaire de Nice-Université Côte d'Azur
Classification: Likely pathogenic for Hereditary spastic paraplegia 7. Last evaluated: 2024-02-27. Review status: criteria provided, single submitter. Criteria: ACMG Guidelines, 2015. Collection method: clinical testing. Allele origin: germline. Affected: yes.

Neuberg Centre For Genomic Medicine, NCGM
Classification: Pathogenic for Hereditary spastic paraplegia 7. Last evaluated: 2023-07-22. Review status: criteria provided, single submitter. Criteria: ACMG Guidelines, 2015. Collection method: clinical testing. Allele origin: germline. Inheritance: Autosomal recessive inheritance. Affected: yes.
Comment: The observed missense variant c.233T>Ap.Leu78Ter in SPG7 gene has been reported in homozygous/compound heterozygous state in multiple individuals with Ataxia/Hereditary Spastic Paraplegia 7 Perić S, et al., 2022, Hewamadduma CA, et al., 2018. The p.Leu78Ter variant has 0.04% allele frequency in gnomAD Exomes. It has been submitted to ClinVar as Uncertain Significance/Likely Pathogenic/ Pathogenic multiple submissions. The nucleotide change c.233T>A in SPG7 is predicted as conserved by GERP++ and PhyloP across 100 vertebrates. Computational evidence Mutation Taster - Disease causing predicts damaging effect on protein structure and function for this variant. This variant is predicted to cause loss of normal protein function through

MGZ Medical Genetics Center
Classification: Pathogenic for Hereditary spastic paraplegia 7. Last evaluated: 2023-02-20. Review status: criteria provided, single submitter. Criteria: ACMG Guidelines, 2015. Collection method: clinical testing. Allele origin: germline. Affected: no. Observed: 4 variant alleles.
Comment: Carrier; ACMG criteria applied: PVS1, PM3

Department of Pathology and Laboratory Medicine, Sinai Health System
Classification: Pathogenic for Hereditary spastic paraplegia 7. Last evaluated: 2023-02-02. Review status: criteria provided, single submitter. Criteria: ACMG Guidelines, 2015. Collection method: research. Allele origin: germline.

Institute of Human Genetics, Univ. Regensburg, Univ. Regensburg
Classification: Pathogenic for Retinal dystrophy. Last evaluated: 2023-01-01. Review status: criteria provided, single submitter. Criteria: ACMG Guidelines, 2015. Collection method: clinical testing. Allele origin: germline. Affected: yes.

GeneDx
Classification: Pathogenic. Last evaluated: 2022-02-07. Review status: criteria provided, single submitter. Criteria: GeneDx Variant Classification Process June 2021. Collection method: clinical testing. Allele origin: germline. Affected: yes.
Comment: Nonsense variant predicted to result in protein truncation or nonsense mediated decay in a gene for which loss-of-function is a known mechanism of disease; This variant is associated with the following publications: (PMID: 25525159, 27084228, 28362824, 29482223, 18200586, 23065789, 22571692, 26626314, 22964162, 25681447, 25976027, 31433872, 31407473, 33300680, 31589614, 33084218, 33624863)

Kariminejad - Najmabadi Pathology & Genetics Center
Classification: Likely pathogenic for Hereditary spastic paraplegia 7. Last evaluated: 2022-01-22. Review status: criteria provided, single submitter. Criteria: ACMG Guidelines, 2015. Collection method: clinical testing. Allele origin: germline. Inheritance: Autosomal recessive inheritance. Affected: yes. Observed: 2 variant alleles.

PROSPAX: an integrated multimodal progression  chart in spastic ataxias, Center for Neurology; Hertie-Institute for Clinical Brain Research
Classification: Pathogenic for Hereditary spastic paraplegia 7. Last evaluated: 2022-01-01. Review status: criteria provided, single submitter. Criteria: ACMG Guidelines, 2015. Collection method: research. Allele origin: germline. Affected: yes. Observed: 5 variant alleles, 4 compound heterozygotes, 1 homozygote.

Genome Diagnostics Laboratory, The Hospital for Sick Children
Classification: Pathogenic for Hereditary spastic paraplegia. Last evaluated: 2021-03-01. Review status: criteria provided, single submitter. Criteria: ACMG Guidelines, 2015. Collection method: clinical testing. Allele origin: germline. Affected: yes.

Institute of Human Genetics, University of Leipzig Medical Center
Classification: Pathogenic for Hereditary spastic paraplegia 7. Last evaluated: 2021-02-24. Review status: criteria provided, single submitter. Criteria: ACMG Guidelines, 2015. Collection method: clinical testing. Allele origin: unknown. Affected: yes.
Comment: This variant was identified as compound heterozygous with NM_003119.4:c.1529C>T.

Institute of Medical Genetics and Applied Genomics, University Hospital Tübingen
Classification: Pathogenic. Last evaluated: 2020-10-23. Review status: criteria provided, single submitter. Criteria: ACMG Guidelines, 2015. Collection method: clinical testing. Allele origin: germline. Inheritance: Autosomal recessive inheritance. Affected: yes.

Genetics and Genomic Medicine Centre, NeuroGen Healthcare, NeuroGen Healthcare
Classification: Pathogenic for Hereditary spastic paraplegia 7. Last evaluated: 2020-09-02. Review status: criteria provided, single submitter. Criteria: Submitter's publication. Collection method: clinical testing. Allele origin: unknown. Affected: no.

Genomic Research Center, Shahid Beheshti University of Medical Sciences
Classification: Pathogenic for Hereditary spastic paraplegia 7. Last evaluated: 2020-05-03. Review status: criteria provided, single submitter. Criteria: ACMG Guidelines, 2015. Collection method: clinical testing. Allele origin: unknown. Affected: yes.

Cambridge Genomics Laboratory, East Genomic Laboratory Hub, NHS Genomic Medicine Service
Classification: Pathogenic for Hereditary ataxia. Last evaluated: 2020-04-29. Review status: criteria provided, single submitter. Criteria: ACGS Best Practice Guidelines for Variant Classification in Rare Disease 2020. Collection method: clinical testing. Allele origin: germline. Affected: yes. Observed: 1 variant allele.

Institute of Human Genetics Munich, TUM University Hospital
Classification: Pathogenic for Hereditary spastic paraplegia 7. Last evaluated: 2019-06-07. Review status: criteria provided, single submitter. Criteria: Classification criteria August 2017. Collection method: clinical testing. Allele origin: germline, inherited. Inheritance: Autosomal recessive inheritance. Affected: yes. Observed: 6 variant alleles. Clinical features observed: Spastic ataxia (HP:0002497), Dystonic disorder (HP:0001332), Spastic paraplegia (HP:0001258), Spasticity (HP:0001257), Lower limb spasticity (HP:0002061), Spastic paraparesis (HP:0002313).

Clinical Genetics Service, Universitary Hospital 12 de Octubre
Classification: Pathogenic for Hereditary spastic paraplegia 7. Review status: criteria provided, single submitter. Criteria: ACMG Guidelines, 2015. Collection method: clinical testing. Allele origin: germline. Affected: yes.

Genetic Foundation of Khorasan Razavi (GFKR)
Classification: Pathogenic for Hereditary spastic paraplegia 7. Review status: criteria provided, single submitter. Criteria: ACMG Guidelines, 2015. Collection method: clinical testing. Allele origin: de novo. Affected: yes. Observed: 1 heterozygote.
Comment: This variant is rare from population databases. It is predicted to result in loss of function through a truncating effect in a gene where loss of function is a well-established mechanism of disease. Previous reputable submitters have reported this variant as pathogenic/Likely pathogenic(VCV000006816.83). Taken together, these lines of evidence support a pathogenic classification according to ACMG/AMP guidelines

Neurogenetics of motion laboratory, Montreal Neurological Institute
Classification: Pathogenic for Spastic paraplegia 7. Review status: criteria provided, single submitter. Criteria: ACMG Guidelines, 2015. Collection method: case-control. Allele origin: germline. Affected: yes. Observed: 2 compound heterozygotes. Clinical features observed: Ataxia, Spasticity, Dysarthria, Nystagmus. Study: Care4Rare - Neurogenetics of motion laboratory. Segregation with disease observed.

Paris Brain Institute, Inserm - ICM
Classification: Pathogenic for Hereditary spastic paraplegia 7. Review status: criteria provided, single submitter. Criteria: ACMG Guidelines, 2015. Collection method: clinical testing. Allele origin: unknown. Affected: yes. Observed: 10 variant alleles.

Solve-RD Consortium
Classification: Likely pathogenic for Hereditary spastic paraplegia 7. Last evaluated: 2022-06-01. Review status: no assertion criteria provided. Collection method: provider interpretation. Allele origin: inherited. Affected: yes. Not counted in ClinVar's aggregate classification.
Comment: Variant confirmed as disease-causing by referring clinical team

Variant identified during reanalysis of unsolved cases by the Solve-RD project. The Solve-RD project has received funding from the European Union’s Horizon 2020 research and innovation programme under grant agreement No 779257.

Institute of Human Genetics, Cologne University
Classification: Uncertain significance for Proximal spinal muscular atrophy. Last evaluated: 2018-04-26. Review status: no assertion criteria provided. Collection method: clinical testing. Allele origin: unknown. Affected: yes. Not counted in ClinVar's aggregate classification.

OMIM
Classification: Pathogenic for SPASTIC PARAPLEGIA 7, AUTOSOMAL RECESSIVE, WITH OR WITHOUT CEREBELLAR ATAXIA. Last evaluated: 2008-04-01. Review status: no assertion criteria provided. Collection method: literature only. Allele origin: germline. Not counted in ClinVar's aggregate classification.

Literature cited by the submitters: PubMed 21623769 (cited by Labcorp Genetics (formerly Invitae), Labcorp); PubMed 22964162 (cited by Labcorp Genetics (formerly Invitae), Labcorp); PubMed 18200586 (cited by 6 submitters); PubMed 22571692 (cited by 4 submitters); PubMed 24727571 (cited by 3 submitters); PubMed 34234304 (cited by Dasa); PubMed 35869996 (cited by Dasa and Institute of Human Genetics, Univ. Regensburg, Univ. Regensburg); PubMed 36964972 (cited by Dasa); PubMed 28362824 (cited by Athena Diagnostics and Institute of Human Genetics, Univ. Regensburg, Univ. Regensburg); PubMed 25681447 (cited by Athena Diagnostics and Institute of Human Genetics, Univ. Regensburg, Univ. Regensburg); PubMed 23065789 (cited by Athena Diagnostics and Victorian Clinical Genetics Services, Murdoch Childrens Research Institute); PubMed 26626314 (cited by 3 submitters); PubMed 25976027 (cited by Athena Diagnostics); PubMed 27084228 (cited by Athena Diagnostics); PubMed 31854126 (cited by Victorian Clinical Genetics Services, Murdoch Childrens Research Institute); PubMed 32548275 (cited by Victorian Clinical Genetics Services, Murdoch Childrens Research Institute); PubMed 36139378 (cited by Victorian Clinical Genetics Services, Murdoch Childrens Research Institute and Institute of Human Genetics, Univ. Regensburg, Univ. Regensburg); PubMed 38703036 (cited by Service de Génétique Médicale, Centre Hospitalier Universitaire de Nice-Université Côte d'Azur); PubMed 25525159 (cited by Institute of Human Genetics, Univ. Regensburg, Univ. Regensburg); PubMed 29482223 (cited by Institute of Human Genetics, Univ. Regensburg, Univ. Regensburg); PubMed 31589614 (cited by Institute of Human Genetics, Univ. Regensburg, Univ. Regensburg); PubMed 31433872 (cited by Institute of Human Genetics, Univ. Regensburg, Univ. Regensburg); PubMed 31345219 (cited by Institute of Human Genetics, Univ. Regensburg, Univ. Regensburg); PubMed 31407473 (cited by Institute of Human Genetics, Univ. Regensburg, Univ. Regensburg); PubMed 33084218 (cited by Institute of Human Genetics, Univ. Regensburg, Univ. Regensburg); PubMed 33300680 (cited by Institute of Human Genetics, Univ. Regensburg, Univ. Regensburg); PubMed 34356170 (cited by Institute of Human Genetics, Univ. Regensburg, Univ. Regensburg); PubMed 33624863 (cited by Institute of Human Genetics, Univ. Regensburg, Univ. Regensburg); PubMed 34493867 (cited by Institute of Human Genetics, Univ. Regensburg, Univ. Regensburg); DOI 10.1111/j.1399-0004.2012.01896.x (cited by Genetic Foundation of Khorasan Razavi (GFKR)); PubMed 39825153 (cited by Solve-RD Consortium).